The following is an entry in ClinVar:

NM_017636.4(TRPM4):c.2956G>A (p.Ala986Thr)

Gene: TRPM4 (transient receptor potential cation channel subfamily M member 4; plus strand). Cytogenetic location: 19q13.33.
Variant type: single nucleotide variant.
Coding change: c.2956G>A on transcript NM_017636.4 (MANE Select); coding-DNA position 2956, G replaced by A.
Protein change: p.Ala986Thr; replaces alanine 986 with threonine.
Molecular consequence: missense variant.
Genome position (GRCh38, 1-based): chr19:49,201,966, G>A. VCF-style: chr19-49201966-G-A. GRCh37 (hg19) VCF-style: chr19-49705223-G-A.
Other names: c.2521G>A, p.Ala841Thr (NM_001195227.2); c.2611G>A, p.Ala871Thr (NM_001321281.2); c.1348G>A, p.Ala450Thr (NM_001321282.2); c.2434G>A, p.Ala812Thr (NM_001321283.2); c.1894G>A, p.Ala632Thr (NM_001321285.2); short protein forms A812T, A841T, A871T, A986T, A450T, A632T.
Identifiers: ClinVar variation 1798107 (VCV001798107.7), dbSNP rs1968949532, ClinGen allele CA406812481.
Genomic context (GRCh38, chr19:49,201,966, plus strand): 5'-CCTGTCTTTCTTAGGTCTCTGTCCCCCTCACCCCATCTCTGAATGTCTCTCTTCACAGTG[G>A]CCCTCATGGAGCACAGCAACTGCTCGTCGGAGCCCGGCTTCTGGGCACACCCTCCTGGGG-3'
Protein context (NP_060106.2, residues 976-996): GQIPQEDMDV[Ala986Thr]LMEHSNCSSE

ClinVar aggregate classification (germline): Uncertain significance. Review status: criteria provided, multiple submitters, no conflicts (2 of 4 stars). 2 submissions from 2 submitters: Uncertain significance (2). Last evaluated 2026-01-15.

Conditions:
Progressive familial heart block type IB (PFHB1B). Identifiers: Orphanet 871, MedGen C1970298, MONDO:0011474, OMIM 604559.
Cardiovascular phenotype. Identifiers: MedGen CN230736.

Allele frequency attached by ClinVar (database versions not stated): gnomAD exomes 0.00001.
gnomAD v4.1: 10 of 1,613,436 alleles (0.00062%); highest among the groups gnomAD compares: Non-Finnish European, 0.00085%; no homozygotes.

Submissions (2):

Labcorp Genetics (formerly Invitae), Labcorp
Classification: Uncertain significance for Progressive familial heart block type IB. Last evaluated: 2026-01-15. Review status: criteria provided, single submitter. Criteria: Invitae Variant Classification Sherloc (09022015). Collection method: clinical testing. Allele origin: germline.
Comment: This sequence change replaces alanine, which is neutral and non-polar, with threonine, which is neutral and polar, at codon 986 of the TRPM4 protein (p.Ala986Thr). This variant is not present in population databases (gnomAD no frequency). This variant has not been reported in the literature in individuals affected with TRPM4-related conditions. ClinVar contains an entry for this variant (Variation ID: 1798107). An algorithm developed to predict the effect of missense changes on protein structure and function outputs the following: PolyPhen-2: "Benign". The threonine amino acid residue is found in multiple mammalian species, which suggests that this missense change does not adversely affect protein function. In summary, the available evidence is currently insufficient to determine the role of this variant in disease. Therefore, it has been classified as a Variant of Uncertain Significance.

Ambry Genetics
Classification: Uncertain significance for Cardiovascular phenotype. Last evaluated: 2020-01-28. Review status: criteria provided, single submitter. Criteria: Ambry Variant Classification Scheme 2023. Collection method: clinical testing. Allele origin: germline.
Comment: The p.A986T variant (also known as c.2956G>A), located in coding exon 20 of the TRPM4 gene, results from a G to A substitution at nucleotide position 2956. The alanine at codon 986 is replaced by threonine, an amino acid with similar properties. This amino acid position is not well conserved in available vertebrate species, and threonine is the reference amino acid in other vertebrate species. In addition, this alteration is predicted to be tolerated by in silico analysis. Since supporting evidence is limited at this time, the clinical significance of this alteration remains unclear.